The following is an entry in ClinVar:

NM_000064.4(C3):c.509C>G (p.Pro170Arg)

Gene: C3 (complement C3; minus strand). Cytogenetic location: 19p13.3.
Variant type: single nucleotide variant.
Coding change: c.509C>G on transcript NM_000064.4 (MANE Select); coding-DNA position 509, C replaced by G.
Protein change: p.Pro170Arg; replaces proline 170 with arginine.
Molecular consequence: missense variant.
Genome position (GRCh38, 1-based): chr19:6,714,442, G>C on the plus strand (C>G on the coding strand, the complement: C3 is on the minus strand). VCF-style: chr19-6714442-G-C. GRCh37 (hg19) VCF-style: chr19-6714453-G-C.
Other names: short protein forms P170R.
Identifiers: ClinVar variation 1509458 (VCV001509458.8), dbSNP rs771707355, ClinGen allele CA403643684.

ClinVar aggregate classification (germline): Uncertain significance (1 of 4 stars; one submission).

Submission:

Labcorp Genetics (formerly Invitae), Labcorp
Classification: Uncertain significance. Last evaluated: 2021-04-23. Review status: criteria provided, single submitter. Criteria: Invitae Variant Classification Sherloc (09022015). Collection method: clinical testing. Allele origin: germline.
Comment: In summary, the available evidence is currently insufficient to determine the role of this variant in disease. Therefore, it has been classified as a Variant of Uncertain Significance. Algorithms developed to predict the effect of missense changes on protein structure and function (SIFT, PolyPhen-2, Align-GVGD) all suggest that this variant is likely to be disruptive, but these predictions have not been confirmed by published functional studies and their clinical significance is uncertain. This variant has not been reported in the literature in individuals with C3-related conditions. This variant is not present in population databases (ExAC no frequency). This sequence change replaces proline with arginine at codon 170 of the C3 protein (p.Pro170Arg). The proline residue is highly conserved and there is a moderate physicochemical difference between proline and arginine.